The following is an entry in ClinVar:

NM_000132.4(F8):c.460A>G (p.Thr154Ala)

Gene: F8 (coagulation factor VIII; minus strand). Cytogenetic location: Xq28.
Variant type: single nucleotide variant.
Coding change: c.460A>G on transcript NM_000132.4 (MANE Select); coding-DNA position 460, A replaced by G.
Protein change: p.Thr154Ala; replaces threonine 154 with alanine.
Molecular consequence: missense variant.
Genome position (GRCh38, 1-based): chrX:154,993,077, T>C on the plus strand (A>G on the coding strand, the complement: F8 is on the minus strand). VCF-style: chrX-154993077-T-C. GRCh37 (hg19) VCF-style: chrX-154221352-T-C.
Other names: short protein forms T154A.
Identifiers: ClinVar variation 1684383 (VCV001684383.1), dbSNP rs1603436436, ClinGen allele CA414919672.

ClinVar aggregate classification (germline): Likely pathogenic (0 of 4 stars; one submission).

Conditions:
Hereditary factor VIII deficiency disease (HEMA). Also called: HEMOPHILIA, CLASSIC; AUTOSOMAL HEMOPHILIA A; Hemophilia A; Hemophilia A, congenital; HEM A; Factor 8 deficiency, congenital. Identifiers: Orphanet 98878, MedGen C0019069, MONDO:0010602, OMIM 306700.

Allele frequency attached by ClinVar (database versions not stated): gnomAD exomes below 0.00001.
gnomAD v4.1: 1 of 1,211,950 alleles (0.000083%); highest among the groups gnomAD compares: Non-Finnish European, 0.00011%; no homozygotes.

Submission:

ISTH-SSC Genomics in Thrombosis and Hemostasis, KU Leuven, Center for Molecular and Vascular Biology
Classification: Likely pathogenic for Hereditary factor VIII deficiency disease. Review status: no assertion criteria provided. Collection method: clinical testing. Allele origin: maternal. Affected: no.
Comment: Submitted to GoldVariant by Bilal Jradeh from Katharine Dormandy Haemophilia and Thrombosis Centre, Royal Free Hospital, London, UK